The following is an entry in ClinVar:

NM_007294.4(BRCA1):c.2021del (p.Pro674fs)

Gene: BRCA1 (BRCA1 DNA repair associated; minus strand). Cytogenetic location: 17q21.31.
Variant type: Deletion.
Coding change: c.2021del on transcript NM_007294.4 (MANE Select); coding-DNA position 2021, one base deleted (C; older notation c.2021delC).
Protein change: p.Pro674fs; shifts the reading frame from proline 674.
Molecular consequence: frameshift variant. On other transcripts: intron variant (137).
Genome position (GRCh38, 1-based): chr17:43,093,510, G deleted on the plus strand (C on the coding strand, the reverse complement: BRCA1 is on the minus strand); the first of 2 consecutive G bases (chr17:43,093,510-43,093,511); deleting either gives the same sequence. VCF-style (leftmost placement, unchanged base first): chr17-43093509-AG-A. GRCh37 (hg19) VCF-style: chr17-41245526-AG-A.
Other names: c.2021delC (NM_007294.3); c.1808del, p.Pro603fs (NM_001407571.1, NM_001407853.1, NM_001407894.1 and 9 more transcripts); c.2021del, p.Pro674fs (NM_001407581.1, NM_001407582.1, NM_001407583.1 and 30 more transcripts); c.2018del, p.Pro673fs (NM_001407587.1, NM_001407590.1, NM_001407591.1 and 22 more transcripts); c.2012del, p.Pro671fs (NM_001407646.1, NM_001407647.1); c.1898del, p.Pro633fs (NM_001407648.1, NM_001407664.1, NM_001407665.1 and 19 more transcripts); c.1895del, p.Pro632fs (NM_001407649.1, NM_001407670.1, NM_001407671.1 and 11 more transcripts); c.1943del, p.Pro648fs (NM_001407653.1, NM_001407654.1, NM_001407655.1 and 4 more transcripts); and 41 more; short protein forms P674fs, P627fs, P378fs, P604fs, P606fs, P607fs, P671fs, P547fs.
Identifiers: ClinVar variation 54440 (VCV000054440.3), dbSNP rs397508930, ClinGen allele CA001348.
Genomic context (GRCh38, chr17:43,093,509, plus strand): 5'-GCTGTCATGTCTTTTACTTGTCTGTTCATTTGGCTTGTTACTCTTCTTGGCTCCAGTTGC[AG>A]GTTCTTTACCTTCCATGAGTTGTAGGTTTCTGCTGTGCCTGACTGGCATTTGGTTGTACT-3'

ClinVar aggregate classification (germline): Pathogenic. Review status: reviewed by expert panel (3 of 4 stars). 2 submissions from 2 submitters: Pathogenic (1). 1 of the submissions does not count toward it. Last evaluated 2017-12-15.

Conditions:
Breast-ovarian cancer, familial, susceptibility to, 1 (BROVCA1). Also called: OVARIAN CANCER, SUSCEPTIBILITY TO; BRCA1 Hereditary Breast and Ovarian Cancer. Identifiers: Orphanet 145, MedGen C2676676, MONDO:0011450, OMIM 604370. Disease mechanism: loss of function.
Familial cancer of breast. Also called: Hereditary breast cancer; hereditary breast carcinoma; BREAST CANCER, FAMILIAL. Identifiers: Orphanet 227535, MedGen C0346153, MONDO:0016419, OMIM 114480. Disease mechanism: loss of function.

Submissions (2):

Evidence-based Network for the Interpretation of Germline Mutant Alleles (ENIGMA)
Classification: Pathogenic for Breast-ovarian cancer, familial, susceptibility to, 1. Last evaluated: 2017-12-15. Review status: reviewed by expert panel. Criteria: ENIGMA BRCA1/2 Classification Criteria (2017-06-29). Collection method: curation. Allele origin: germline. Study: ENIGMA.
Comment: Variant allele predicted to encode a truncated non-functional protein.

ClinVar Staff, National Center for Biotechnology Information (NCBI)
No classification provided. Condition: Familial cancer of breast. Review status: no classification provided. Collection method: literature only. Allele origin: germline. Affected: yes. Not counted in ClinVar's aggregate classification.

Literature cited by the submitters: PubMed 9150151 (cited by ClinVar Staff, National Center for Biotechnology Information (NCBI)).